The following is an entry in ClinVar:

ClinVar aggregate classification (germline): Uncertain significance (1 of 4 stars; one submission).

Conditions:
Encephalopathy, acute, infection-induced (herpes-specific), susceptibility to, 1. Also called: Herpes simplex encephalitis, susceptibility to, 1. Identifiers: Orphanet 1930, MedGen C2750180, MONDO:0024563, OMIM 610551.

Allele frequency attached by ClinVar (database versions not stated): gnomAD 0.00004; gnomAD exomes 0.00004 and 0.00013; TOPMed 0.00005.
gnomAD v4.1: 192 of 1,518,040 alleles (0.013%); highest among the groups gnomAD compares: Non-Finnish European, 0.016%; no homozygotes.

Submission:

Labcorp Genetics (formerly Invitae), Labcorp
Classification: Uncertain significance for Encephalopathy, acute, infection-induced (herpes-specific), susceptibility to, 1. Last evaluated: 2022-03-13. Review status: criteria provided, single submitter. Criteria: Invitae Variant Classification Sherloc (09022015). Collection method: clinical testing. Allele origin: germline.
Comment: This sequence change replaces alanine, which is neutral and non-polar, with threonine, which is neutral and polar, at codon 567 of the UNC93B1 protein (p.Ala567Thr). The frequency data for this variant in the population databases is considered unreliable, as metrics indicate poor data quality at this position in the gnomAD database. This variant has not been reported in the literature in individuals affected with UNC93B1-related conditions. Experimental studies and prediction algorithms are not available or were not evaluated, and the functional significance of this variant is currently unknown. In summary, the available evidence is currently insufficient to determine the role of this variant in disease. Therefore, it has been classified as a Variant of Uncertain Significance.

NM_030930.4(UNC93B1):c.1699G>A (p.Ala567Thr)

Gene: UNC93B1 (unc-93B1 regulator of TLR signaling; minus strand). Cytogenetic location: 11q13.2.
Variant type: single nucleotide variant.
Coding change: c.1699G>A on transcript NM_030930.4 (MANE Select); coding-DNA position 1699, G replaced by A.
Protein change: p.Ala567Thr; replaces alanine 567 with threonine.
Molecular consequence: missense variant.
Genome position (GRCh38, 1-based): chr11:67,991,641, C>T on the plus strand (G>A on the coding strand, the complement: UNC93B1 is on the minus strand). VCF-style: chr11-67991641-C-T. GRCh37 (hg19) VCF-style: chr11-67759112-C-T.
Other names: short protein forms A567T.
Identifiers: ClinVar variation 1428381 (VCV001428381.3), dbSNP rs4014599, ClinGen allele CA224210683.